The following is an entry in ClinVar:

NM_004260.4(RECQL4):c.3254G>T (p.Cys1085Phe)

Gene: RECQL4 (RecQ like helicase 4; minus strand). Cytogenetic location: 8q24.3.
Variant type: single nucleotide variant.
Coding change: c.3254G>T on transcript NM_004260.4 (MANE Select); coding-DNA position 3254, G replaced by T.
Protein change: p.Cys1085Phe; replaces cysteine 1085 with phenylalanine.
Molecular consequence: missense variant.
Genome position (GRCh38, 1-based): chr8:144,512,050, C>A on the plus strand (G>T on the coding strand, the complement: RECQL4 is on the minus strand). VCF-style: chr8-144512050-C-A. GRCh37 (hg19) VCF-style: chr8-145737433-C-A.
Other names: short protein forms C1085F.
Identifiers: ClinVar variation 1013797 (VCV001013797.5), dbSNP rs1827324588, ClinGen allele CA372669266.

ClinVar aggregate classification (germline): Uncertain significance (1 of 4 stars; one submission).

Conditions:
Baller-Gerold syndrome (BGS). Also called: CRANIOSYNOSTOSIS WITH RADIAL DEFECTS. Identifiers: Orphanet 1225, MedGen C0265308, MONDO:0009039, OMIM 218600.

Submission:

Labcorp Genetics (formerly Invitae), Labcorp
Classification: Uncertain significance for Baller-Gerold syndrome. Last evaluated: 2025-10-20. Review status: criteria provided, single submitter. Criteria: Invitae Variant Classification Sherloc (09022015). Collection method: clinical testing. Allele origin: germline.
Comment: This sequence change replaces cysteine, which is neutral and slightly polar, with phenylalanine, which is neutral and non-polar, at codon 1085 of the RECQL4 protein (p.Cys1085Phe). This variant is not present in population databases (gnomAD no frequency). This variant has not been reported in the literature in individuals affected with RECQL4-related conditions. ClinVar contains an entry for this variant (Variation ID: 1013797). Invitae Evidence Modeling of protein sequence and biophysical properties (such as structural, functional, and spatial information, amino acid conservation, physicochemical variation, residue mobility, and thermodynamic stability) has been performed for this missense variant. However, the output from this modeling did not meet the statistical confidence thresholds required to predict the impact of this variant on RECQL4 protein function. In summary, the available evidence is currently insufficient to determine the role of this variant in disease. Therefore, it has been classified as a Variant of Uncertain Significance.